The following is an entry in ClinVar:

ClinVar aggregate classification (germline): Conflicting classifications of pathogenicity. Review status: criteria provided, conflicting classifications (1 of 4 stars). 2 submissions from 2 submitters: Likely pathogenic (1); Uncertain significance (1). Last evaluated 2025-04-11.

Conditions:
Snijders Blok-Campeau syndrome. Also called: INTELLECTUAL DEVELOPMENTAL DISORDER WITH MACROCEPHALY, SPEECH DELAY, AND DYSMORPHIC FACIES. Identifiers: Orphanet 599082, MedGen C4748701, MONDO:0032600, OMIM 618205.

Allele frequency attached by ClinVar (database versions not stated): gnomAD exomes below 0.00001.
gnomAD v4.1: 1 of 1,614,188 alleles (0.000062%); highest among the groups gnomAD compares: Non-Finnish European, 0.000085%; no homozygotes.

Submissions (2):

Laboratorio de Genetica e Diagnostico Molecular, Hospital Israelita Albert Einstein
Classification: Uncertain significance for Snijders Blok-Campeau syndrome. Last evaluated: 2025-04-11. Review status: criteria provided, single submitter. Criteria: ACMG Guidelines, 2015. Collection method: clinical testing. Allele origin: germline. Affected: yes.
Comment: ACMG classification criteria: PM2 supporting, PP2 supporting, PP3 supporting

Institute of Medical Genetics and Applied Genomics, University Hospital Tübingen
Classification: Likely pathogenic for Snijders Blok-Campeau syndrome. Last evaluated: 2023-11-30. Review status: criteria provided, single submitter. Criteria: ACMG Guidelines, 2015. Collection method: clinical testing. Allele origin: de novo. Inheritance: Autosomal dominant inheritance. Affected: yes.

NM_001005273.3(CHD3):c.4243C>T (p.Arg1415Cys)

Genes: CHD3 (chromodomain helicase DNA binding protein 3; plus strand), SCARNA21 (small Cajal body-specific RNA 21; plus strand). Cytogenetic location: 17p13.1.
Variant type: single nucleotide variant.
Coding change: c.4243C>T on transcript NM_001005273.3 (MANE Select); coding-DNA position 4243, C replaced by T.
Protein change: p.Arg1415Cys; replaces arginine 1415 with cysteine.
Molecular consequence: missense variant.
Genome position (GRCh38, 1-based): chr17:7,905,874, C>T. VCF-style: chr17-7905874-C-T. GRCh37 (hg19) VCF-style: chr17-7809192-C-T.
Other names: c.4420C>T, p.Arg1474Cys (NM_001005271.3); c.4243C>T, p.Arg1415Cys (NM_005852.4); short protein forms R1415C, R1474C.
Identifiers: ClinVar variation 2663909 (VCV002663909.2), dbSNP rs2545062256, ClinGen allele CA397945446.
Genomic context (GRCh38, chr17:7,905,874, plus strand): 5'-CCTAGACATTTGTCGCCATTGCCTCCTTGCTCCCACCCTCAGGTGCTGGGCTTCAACACC[C>T]GTCAGCGGAAGGCTTTCCTCAATGCTGTGATGCGCTGGGGGATGCCACCACAGGATGCCT-3'
Protein context (NP_001005273.1, residues 1405-1425): GNIEVLGFNT[Arg1415Cys]QRKAFLNAVM